The following is an entry in ClinVar:

ClinVar aggregate classification (germline): Pathogenic (1 of 4 stars; one submission).

Conditions:
Epilepsy, X-linked 1, with variable learning disabilities and behavior disorders. Also called: X-linked epilepsy-learning disabilities-behavior disorders syndrome. Identifiers: Orphanet 85294, MedGen C5774177, MONDO:0010339, OMIM 300491.

Submission:

Labcorp Genetics (formerly Invitae), Labcorp
Classification: Pathogenic for Epilepsy, X-linked 1, with variable learning disabilities and behavior disorders. Last evaluated: 2025-11-03. Review status: criteria provided, single submitter. Criteria: Invitae Variant Classification Sherloc (09022015). Collection method: clinical testing. Allele origin: germline.
Comment: This sequence change creates a premature translational stop signal (p.Lys378Argfs*30) in the SYN1 gene. It is expected to result in an absent or disrupted protein product. Loss-of-function variants in SYN1 are known to be pathogenic (PMID: 14985377, 21441247). This variant is not present in population databases (gnomAD no frequency). This variant has not been reported in the literature in individuals affected with SYN1-related conditions. For these reasons, this variant has been classified as Pathogenic.

Literature cited by the submitters: PubMed 14985377; PubMed 21441247.

NM_006950.3(SYN1):c.1131del (p.Lys378fs)

Gene: SYN1 (synapsin I; minus strand). Cytogenetic location: Xp11.3.
Variant type: Deletion.
Coding change: c.1131del on transcript NM_006950.3 (MANE Select); coding-DNA position 1131, one base deleted (C; older notation c.1131delC).
Protein change: p.Lys378fs; shifts the reading frame from lysine 378.
Molecular consequence: frameshift variant.
Genome position (GRCh38, 1-based): chrX:47,576,158, G deleted on the plus strand (C on the coding strand, the reverse complement: SYN1 is on the minus strand). VCF-style (leftmost placement, unchanged base first): chrX-47576157-TG-T. GRCh37 (hg19) VCF-style: chrX-47435556-TG-T.
Other names: c.1131del, p.Lys378fs (NM_133499.2); short protein forms K378fs.
Identifiers: ClinVar variation 4730373 (VCV004730373.1).